The following is an entry in ClinVar:

NM_001164508.2(NEB):c.8594T>C (p.Val2865Ala)

Gene: NEB (nebulin; minus strand). Cytogenetic location: 2q23.3.
Variant type: single nucleotide variant.
Coding change: c.8594T>C on transcript NM_001164508.2 (MANE Select); coding-DNA position 8594, T replaced by C.
Protein change: p.Val2865Ala; replaces valine 2865 with alanine.
Molecular consequence: missense variant.
Genome position (GRCh38, 1-based): chr2:151,640,446, A>G on the plus strand (T>C on the coding strand, the complement: NEB is on the minus strand). VCF-style: chr2-151640446-A-G. GRCh37 (hg19) VCF-style: chr2-152496960-A-G.
Other names: c.8594T>C, p.Val2865Ala (NM_001164507.2, NM_001271208.2, NM_004543.5); c.8594T>C (NM_004543.4); short protein forms V2865A.
Identifiers: ClinVar variation 1400892 (VCV001400892.7), dbSNP rs754454398, ClinGen allele CA1909551.

ClinVar aggregate classification (germline): Uncertain significance. Review status: criteria provided, multiple submitters, no conflicts (2 of 4 stars). 2 submissions from 2 submitters: Uncertain significance (2). Last evaluated 2025-09-10.

Conditions:
Inborn genetic diseases. Identifiers: MedGen C0950123, MeSH D030342.
Nemaline myopathy 2 (NEM2). Also called: Nemaline myopathy 2, autosomal recessive. Identifiers: MedGen C1850569, MONDO:0009725, OMIM 256030.

Allele frequency attached by ClinVar (database versions not stated): ExAC 0.00001; gnomAD exomes 0.00001 and 0.00002.
gnomAD v4.1: 8 of 1,614,020 alleles (0.0005%); highest among the groups gnomAD compares: Admixed American, 0.01%; no homozygotes.

Submissions (2):

Ambry Genetics
Classification: Uncertain significance for Inborn genetic diseases. Last evaluated: 2025-09-10. Review status: criteria provided, single submitter. Criteria: Ambry Variant Classification Scheme 2023. Collection method: clinical testing. Allele origin: germline.

Labcorp Genetics (formerly Invitae), Labcorp
Classification: Uncertain significance for Nemaline myopathy 2. Last evaluated: 2022-07-11. Review status: criteria provided, single submitter. Criteria: Invitae Variant Classification Sherloc (09022015). Collection method: clinical testing. Allele origin: germline.
Comment: This sequence change replaces valine, which is neutral and non-polar, with alanine, which is neutral and non-polar, at codon 2865 of the NEB protein (p.Val2865Ala). This variant is present in population databases (rs754454398, gnomAD 0.01%). This variant has not been reported in the literature in individuals affected with NEB-related conditions. ClinVar contains an entry for this variant (Variation ID: 1400892). Algorithms developed to predict the effect of missense changes on protein structure and function output the following: SIFT: "Tolerated"; PolyPhen-2: "Not Available"; Align-GVGD: "Class C0". The alanine amino acid residue is found in multiple mammalian species, which suggests that this missense change does not adversely affect protein function. In summary, the available evidence is currently insufficient to determine the role of this variant in disease. Therefore, it has been classified as a Variant of Uncertain Significance.